The following is an entry in ClinVar:

ClinVar aggregate classification (germline): Likely pathogenic (1 of 4 stars; one submission).

Submission:

Labcorp Genetics (formerly Invitae), Labcorp
Classification: Likely pathogenic. Last evaluated: 2022-07-12. Review status: criteria provided, single submitter. Criteria: Invitae Variant Classification Sherloc (09022015). Collection method: clinical testing. Allele origin: germline.
Comment: This sequence change affects an acceptor splice site in intron 1 of the CDH3 gene. It is expected to disrupt RNA splicing. Variants that disrupt the donor or acceptor splice site typically lead to a loss of protein function (PMID: 16199547), and loss-of-function variants in CDH3 are known to be pathogenic (PMID: 15805154, 27386845, 29620724). This variant is not present in population databases (gnomAD no frequency). This variant has not been reported in the literature in individuals affected with CDH3-related conditions. ClinVar contains an entry for this variant (Variation ID: 1488097). Algorithms developed to predict the effect of sequence changes on RNA splicing suggest that this variant may disrupt the consensus splice site. In summary, the currently available evidence indicates that the variant is pathogenic, but additional data are needed to prove that conclusively. Therefore, this variant has been classified as Likely Pathogenic.

Literature cited by the submitters: PubMed 16199547; PubMed 15805154; PubMed 27386845; PubMed 29620724.

NM_001793.6(CDH3):c.46-2A>T

Genes: CDH3 (cadherin 3; plus strand), CDH3-AS1 (CDH3 antisense RNA 1; minus strand). Cytogenetic location: 16q22.1.
Variant type: single nucleotide variant.
Coding change: c.46-2A>T on transcript NM_001793.6 (MANE Select); the canonical splice acceptor site of the intron before coding-DNA position 46, A replaced by T.
Molecular consequence: splice acceptor variant. On other transcripts: intron variant (1).
Genome position (GRCh38, 1-based): chr16:68,645,634, A>T. VCF-style: chr16-68645634-A-T. GRCh37 (hg19) VCF-style: chr16-68679537-A-T.
Other names: c.-6+210A>T (NM_001317196.2); c.46-2A>T (NM_001317195.3).
Identifiers: ClinVar variation 1488097 (VCV001488097.6), dbSNP rs2152087451, ClinGen allele CA396455148.
Genomic context (GRCh38, chr16:68,645,634, plus strand): 5'-GGGGAGTGCAGGGCCGGGCACGCCTGGACCCAGCCTCCTTCACTCTCTGCCCTCGGGCGC[A>T]GGTTTGCTGGCTGCAGTGCGCGGCCTCCGAGCCGTGCCGGGCGGTCTTCAGGGAGGCTGA-3'